The following is an entry in ClinVar:

ClinVar aggregate classification (germline): Benign. Review status: criteria provided, multiple submitters, no conflicts (2 of 4 stars). 5 submissions from 5 submitters: Benign (3). 2 of the submissions do not count toward it. Last evaluated 2026-01-26.

Conditions:
Congenital stationary night blindness 1C. Also called: Night blindness, congenital stationary (complete), 1C, autosomal recessive. Identifiers: Orphanet 215, MedGen C2750747, MONDO:0013183, OMIM 613216.

Allele frequency attached by ClinVar (database versions not stated): gnomAD exomes 0.00053 and 0.00117; ExAC 0.00141; 1000 Genomes Project 30x 0.00437; 1000 Genomes Project 0.00479; gnomAD 0.00507 and 0.00551; ESP Exome Variant Server 0.00523; TOPMed 0.00539.
gnomAD v4.1: 1,610 of 1,614,170 alleles (0.1%); highest among the groups gnomAD compares: African/African-American, 1.8%; 12 homozygotes.

Submissions (5):

Labcorp Genetics (formerly Invitae), Labcorp
Classification: Benign. Last evaluated: 2026-01-26. Review status: criteria provided, single submitter. Criteria: Invitae Variant Classification Sherloc (09022015). Collection method: clinical testing. Allele origin: germline.

Illumina Laboratory Services, Illumina
Classification: Benign for Congenital stationary night blindness 1C. Last evaluated: 2018-01-12. Review status: criteria provided, single submitter. Criteria: ICSL Variant Classification Criteria 13 December 2019. Collection method: clinical testing. Allele origin: germline.
Comment: This variant was observed in the ICSL laboratory as part of a predisposition screen in an ostensibly healthy population. It had not been previously curated by ICSL or reported in the Human Gene Mutation Database (HGMD: prior to June 1st, 2018), and was therefore a candidate for classification through an automated scoring system. Utilizing variant allele frequency, disease prevalence and penetrance estimates, and inheritance mode, an automated score was calculated to assess if this variant is too frequent to cause the disease. Based on the score and internal cut-off values, a variant classified as benign is not then subjected to further curation. The score for this variant resulted in a classification of benign for this disease.

Breakthrough Genomics
Classification: Benign. Review status: criteria provided, single submitter. Criteria: ACMG Guidelines, 2015. Collection method: not provided. Allele origin: germline. Inheritance: Unknown mechanism. Affected: yes.

Clinical Genetics DNA and cytogenetics Diagnostics Lab, Erasmus MC, Erasmus Medical Center
Classification: Benign. Review status: no assertion criteria provided. Collection method: clinical testing. Allele origin: germline. Affected: yes. Study: VKGL Data-share Consensus. Not counted in ClinVar's aggregate classification.

Clinical Genetics, Academic Medical Center
Classification: Benign. Review status: no assertion criteria provided. Collection method: clinical testing. Allele origin: germline. Affected: yes. Study: VKGL Data-share Consensus. Not counted in ClinVar's aggregate classification.

NM_001252024.2(TRPM1):c.4007C>T (p.Thr1336Met)

Gene: TRPM1 (transient receptor potential cation channel subfamily M member 1; minus strand). Cytogenetic location: 15q13.3.
Variant type: single nucleotide variant.
Coding change: c.4007C>T on transcript NM_001252024.2 (MANE Select); coding-DNA position 4007, C replaced by T.
Protein change: p.Thr1336Met; replaces threonine 1336 with methionine.
Molecular consequence: missense variant.
Genome position (GRCh38, 1-based): chr15:31,002,693, G>A on the plus strand (C>T on the coding strand, the complement: TRPM1 is on the minus strand). VCF-style: chr15-31002693-G-A. GRCh37 (hg19) VCF-style: chr15-31294896-G-A.
Other names: c.4058C>T, p.Thr1353Met (NM_001252020.2); c.3941C>T, p.Thr1314Met (NM_002420.6); short protein forms T1314M, T1336M, T1353M.
Identifiers: ClinVar variation 778521 (VCV000778521.18), dbSNP rs111421899, ClinGen allele CA7451715.